The following is an entry in ClinVar:

ClinVar aggregate classification (germline): Uncertain significance (1 of 4 stars; one submission).

Conditions:
Aortic aneurysm, familial thoracic 6 (AAT6). Also called: FAMILIAL THORACIC AORTIC ANEURYSM WITH LIVEDO RETICULARIS AND IRIS FLOCCULI. Identifiers: MedGen C2673186, MONDO:0012730, OMIM 611788.

Submission:

Labcorp Genetics (formerly Invitae), Labcorp
Classification: Uncertain significance for Aortic aneurysm, familial thoracic 6. Last evaluated: 2024-08-20. Review status: criteria provided, single submitter. Criteria: Invitae Variant Classification Sherloc (09022015). Collection method: clinical testing. Allele origin: germline.
Comment: This sequence change replaces glutamic acid, which is acidic and polar, with glutamine, which is neutral and polar, at codon 197 of the ACTA2 protein (p.Glu197Gln). This variant is not present in population databases (gnomAD no frequency). This variant has not been reported in the literature in individuals affected with ACTA2-related conditions. Invitae Evidence Modeling of protein sequence and biophysical properties (such as structural, functional, and spatial information, amino acid conservation, physicochemical variation, residue mobility, and thermodynamic stability) indicates that this missense variant is not expected to disrupt ACTA2 protein function with a negative predictive value of 80%. In summary, the available evidence is currently insufficient to determine the role of this variant in disease. Therefore, it has been classified as a Variant of Uncertain Significance.

NM_001613.4(ACTA2):c.589G>C (p.Glu197Gln)

Gene: ACTA2 (actin alpha 2, smooth muscle; minus strand). Cytogenetic location: 10q23.31.
Variant type: single nucleotide variant.
Coding change: c.589G>C on transcript NM_001613.4 (MANE Select); coding-DNA position 589, G replaced by C.
Protein change: p.Glu197Gln; replaces glutamic acid 197 with glutamine.
Molecular consequence: missense variant.
Genome position (GRCh38, 1-based): chr10:88,941,256, C>G on the plus strand (G>C on the coding strand, the complement: ACTA2 is on the minus strand). VCF-style: chr10-88941256-C-G. GRCh37 (hg19) VCF-style: chr10-90701013-C-G.
Other names: c.589G>C, p.Glu197Gln (NM_001141945.3, NM_001320855.2, NM_001406462.1 and 3 more transcripts); c.478G>C, p.Glu160Gln (NM_001406466.1); c.460G>C, p.Glu154Gln (NM_001406467.1, NM_001406468.1, NM_001406469.1); short protein forms E154Q, E160Q, E197Q.
Identifiers: ClinVar variation 3663025 (VCV003663025.2).